The following is an entry in ClinVar:

ClinVar aggregate classification (germline): Pathogenic (1 of 4 stars; one submission).

Conditions:
Zellweger spectrum disorders (ZS). Also called: Zellweger syndrome; Zellweger Spectrum Disorder; Zellweger Spectrum; Zellweger Spectrum Disorder (ZSD). Identifiers: Orphanet 912, MedGen C0043459, MONDO:0019609.

Submission:

Labcorp Genetics (formerly Invitae), Labcorp
Classification: Pathogenic for Zellweger spectrum disorders. Last evaluated: 2023-01-20. Review status: criteria provided, single submitter. Criteria: Invitae Variant Classification Sherloc (09022015). Collection method: clinical testing. Allele origin: germline.
Comment: This sequence change creates a premature translational stop signal (p.Arg928Lysfs*33) in the PEX1 gene. It is expected to result in an absent or disrupted protein product. Loss-of-function variants in PEX1 are known to be pathogenic (PMID: 9398847, 16086329, 16141001, 21031596, 26387595, 31831025). For these reasons, this variant has been classified as Pathogenic. Algorithms developed to predict the effect of sequence changes on RNA splicing suggest that this variant may disrupt the consensus splice site. This variant is also known as c.2783+1del. This variant has not been reported in the literature in individuals affected with PEX1-related conditions. This variant is not present in population databases (gnomAD no frequency).

Literature cited by the submitters: PubMed 9398847; PubMed 16086329; PubMed 16141001; PubMed 21031596; PubMed 26387595; PubMed 31831025.

NM_000466.3(PEX1):c.2783+1del

Gene: PEX1 (peroxisomal biogenesis factor 1; minus strand). Cytogenetic location: 7q21.2.
Variant type: Deletion.
Coding change: c.2783+1del on transcript NM_000466.3 (MANE Select); the canonical splice donor site of the intron after coding-DNA position 2783, one base deleted (G; older notation c.2783+1delG).
Molecular consequence: splice donor variant.
Genome position (GRCh38, 1-based): chr7:92,496,712, C deleted on the plus strand (G on the coding strand, the reverse complement: PEX1 is on the minus strand); the first of 2 consecutive C bases (chr7:92,496,712-92,496,713); deleting either gives the same sequence. VCF-style (leftmost placement, unchanged base first): chr7-92496711-AC-A. GRCh37 (hg19) VCF-style: chr7-92126025-AC-A.
Other names: c.2612+1del (NM_001282677.2); c.2159+1del (NM_001282678.2).
Identifiers: ClinVar variation 2830447 (VCV002830447.3), dbSNP rs2484646254, ClinGen allele CA2739265485.
Genomic context (GRCh38, chr7:92,496,711, plus strand): 5'-AAGCACTGATTGATAAATAATAACAGAGTCAGTTACTTTAAAAACATTCATAGGCTACCA[AC>A]CTAATAAAAATATCCCGAACAGCTTGTTCACTTGCTCCAATGTATTTGCTGAGTAACTCT-3'